The following is an entry in ClinVar:

NM_203446.3(SYNJ1):c.3246G>A (p.Gln1082=)

Gene: SYNJ1 (synaptojanin 1; minus strand). Cytogenetic location: 21q22.11.
Variant type: single nucleotide variant.
Coding change: c.3246G>A on transcript NM_203446.3 (MANE Select); coding-DNA position 3246, G replaced by A.
Protein change: p.Gln1082=; no amino-acid change (glutamine 1082 retained).
Molecular consequence: synonymous variant.
Genome position (GRCh38, 1-based): chr21:32,646,394, C>T on the plus strand (G>A on the coding strand, the complement: SYNJ1 is on the minus strand). VCF-style: chr21-32646394-C-T. GRCh37 (hg19) VCF-style: chr21-34018704-C-T.
Other names: c.3246G>A, p.Gln1082= (NM_001160302.2); c.3231G>A, p.Gln1077= (NM_001160306.2); c.3363G>A, p.Gln1121= (NM_003895.4).
Identifiers: ClinVar variation 1958372 (VCV001958372.3), dbSNP rs2517442390, ClinGen allele CA512144989.
Genomic context (GRCh38, chr21:32,646,394, plus strand): 5'-CCAACATCAAGCACATTGGCCACAGGAAGCCATACAAAACTTTCAAATAAAATGCATACT[C>T]TGTGCACTGGGAGGCCCAGGAGTTCTTGACGGTGCTCGGCTTGGTCTGATGGGAAGGGAA-3'
Protein context (NP_982271.3, residues 1072-1092): PSRTPGPPSA[Gln1082=]SSPIDAQPAT

ClinVar aggregate classification (germline): Uncertain significance (1 of 4 stars; one submission).

Conditions:
Developmental and epileptic encephalopathy, 53. Also called: Epileptic encephalopathy, early infantile, 53. Identifiers: MedGen C4479313, MONDO:0033362, OMIM 617389.
Early-onset Parkinson disease 20. Also called: PARKINSON DISEASE 20, AUTOSOMAL RECESSIVE EARLY-ONSET. Identifiers: Orphanet 391411, MedGen C3809824, MONDO:0014233, OMIM 615530.

Allele frequency attached by ClinVar (database versions not stated): gnomAD exomes 0.00001.
gnomAD v4.1: 17 of 1,613,902 alleles (0.0011%); highest among the groups gnomAD compares: Non-Finnish European, 0.0014%; no homozygotes.

Submission:

Labcorp Genetics (formerly Invitae), Labcorp
Classification: Uncertain significance for Developmental and epileptic encephalopathy, 53; Early-onset Parkinson disease 20. Last evaluated: 2025-06-30. Review status: criteria provided, single submitter. Criteria: Invitae Variant Classification Sherloc (09022015). Collection method: clinical testing. Allele origin: germline.
Comment: This sequence change affects codon 1121 of the SYNJ1 mRNA. It is a 'silent' change, meaning that it does not change the encoded amino acid sequence of the SYNJ1 protein. It affects a nucleotide within the consensus splice site. This variant is not present in population databases (gnomAD no frequency). This variant has not been reported in the literature in individuals affected with SYNJ1-related conditions. ClinVar contains an entry for this variant (Variation ID: 1958372). Algorithms developed to predict the effect of sequence changes on RNA splicing suggest that this variant is not likely to affect RNA splicing. In summary, the available evidence is currently insufficient to determine the role of this variant in disease. Therefore, it has been classified as a Variant of Uncertain Significance.